The following is an entry in ClinVar:

NM_001211.6(BUB1B):c.692A>G (p.Lys231Arg)

Gene: BUB1B (BUB1 mitotic checkpoint serine/threonine kinase B; plus strand). Cytogenetic location: 15q15.1.
Variant type: single nucleotide variant.
Coding change: c.692A>G on transcript NM_001211.6 (MANE Select); coding-DNA position 692, A replaced by G.
Protein change: p.Lys231Arg; replaces lysine 231 with arginine.
Molecular consequence: missense variant.
Genome position (GRCh38, 1-based): chr15:40,183,824, A>G. VCF-style: chr15-40183824-A-G. GRCh37 (hg19) VCF-style: chr15-40476025-A-G.
Other names: short protein forms K231R.
Identifiers: ClinVar variation 2560835 (VCV002560835.3), dbSNP rs2542533549, ClinGen allele CA391683402.

ClinVar aggregate classification (germline): Uncertain significance (1 of 4 stars; one submission).

Conditions:
Inborn genetic diseases. Identifiers: MedGen C0950123, MeSH D030342.

Submission:

Ambry Genetics
Classification: Uncertain significance for Inborn genetic diseases. Last evaluated: 2025-05-27. Review status: criteria provided, single submitter. Criteria: Ambry Variant Classification Scheme 2023. Collection method: clinical testing. Allele origin: germline.
Comment: The p.K231R variant (also known as c.692A>G), located in coding exon 6 of the BUB1B gene, results from an A to G substitution at nucleotide position 692. The lysine at codon 231 is replaced by arginine, an amino acid with highly similar properties. This amino acid position is conserved. In addition, this alteration is predicted to be tolerated by in silico analysis. Since supporting evidence is limited at this time, the clinical significance of this alteration remains unclear.